The following is an entry in ClinVar:

ClinVar aggregate classification (germline): Pathogenic (1 of 4 stars; one submission).

Conditions:
Autoimmune lymphoproliferative syndrome type 2B. Also called: AUTOIMMUNE LYMPHOPROLIFERATIVE SYNDROME, TYPE IIB. Identifiers: Orphanet 275517, MedGen C1846545, MONDO:0011804, OMIM 607271.

Submission:

Labcorp Genetics (formerly Invitae), Labcorp
Classification: Pathogenic for Autoimmune lymphoproliferative syndrome type 2B. Last evaluated: 2025-12-03. Review status: criteria provided, single submitter. Criteria: Invitae Variant Classification Sherloc (09022015). Collection method: clinical testing. Allele origin: germline.
Comment: This sequence change creates a premature translational stop signal (p.Val222Glyfs*13) in the CASP8 gene. It is expected to result in an absent or disrupted protein product. Loss-of-function variants in CASP8 are known to be pathogenic (PMID: 12353035, 25814141). This variant is not present in population databases (gnomAD no frequency). This variant has not been reported in the literature in individuals affected with CASP8-related conditions. Algorithms developed to predict the effect of sequence changes on RNA splicing suggest that this variant may disrupt the consensus splice site. For these reasons, this variant has been classified as Pathogenic.

Literature cited by the submitters: PubMed 12353035; PubMed 25814141.

NM_001372051.1(CASP8):c.613dup (p.Val205fs)

Gene: CASP8 (caspase 8; plus strand). Cytogenetic location: 2q33.1.
Variant type: Duplication.
Coding change: c.613dup on transcript NM_001372051.1 (MANE Select); coding-DNA position 613, one base duplicated (G; older notation c.613dupG).
Protein change: p.Val205fs; shifts the reading frame from valine 205.
Molecular consequence: frameshift variant. On other transcripts: 5 prime UTR variant (2), non-coding transcript variant (19), intron variant (16).
Genome position (GRCh38, 1-based): chr2:201,274,906, G duplicated; the last of 4 consecutive G bases (chr2:201,274,903-201,274,906); duplicating any one gives the same sequence. VCF-style (leftmost placement, unchanged base first): chr2-201274902-T-TG. GRCh37 (hg19) VCF-style: chr2-202139625-T-TG.
Other names: c.568dup, p.Val190fs (NM_001080124.2, NM_001400658.1, NM_001400659.1 and 5 more transcripts); c.790dup, p.Val264fs (NM_001080125.2); c.664dup, p.Val222fs (NM_001228.5); c.745dup, p.Val249fs (NM_001400642.1); c.613dup, p.Val205fs (NM_001400648.1, NM_001400651.1, NM_001400653.1 and 6 more transcripts); c.304dup, p.Val102fs (NM_001400669.1); c.-3dup (NM_001400674.1, NM_001400680.1); c.19-1921dup (NM_001400677.1, NM_001400751.1, NM_001400678.1 and 2 more transcripts); and 7 more; short protein forms V102fs, V190fs, V205fs, V222fs, V249fs, V264fs.
Identifiers: ClinVar variation 4812021 (VCV004812021.1).